The following is an entry in ClinVar:

ClinVar aggregate classification (germline): Uncertain significance. Review status: criteria provided, multiple submitters, no conflicts (2 of 4 stars). 2 submissions from 2 submitters: Uncertain significance (2). Last evaluated 2021-09-01.

Conditions:
Anauxetic dysplasia. Identifiers: Orphanet 93347, MedGen C1846796, MONDO:0011773.

gnomAD v4.1: 5 of 692,570 alleles (0.00072%); highest among the groups gnomAD compares: African/African-American, 0.002%; no homozygotes.

Submissions (2):

Labcorp Genetics (formerly Invitae), Labcorp
Classification: Uncertain significance for Anauxetic dysplasia. Last evaluated: 2021-09-01. Review status: criteria provided, single submitter. Criteria: Invitae Variant Classification Sherloc (09022015). Collection method: clinical testing. Allele origin: germline.
Comment: This variant occurs in the RMRP gene, which encodes an RNA molecule that does not result in a protein product. The frequency data for this variant in the population databases is considered unreliable, as metrics indicate insufficient coverage at this position in the ExAC database. This variant has been observed in individual(s) with clinical features of cartilage-hair hypoplasia (Invitae). In at least one individual the data is consistent with the variant being in trans (on the opposite chromosome) from a pathogenic variant. ClinVar contains an entry for this variant (Variation ID: 933565). Experimental studies and prediction algorithms are not available or were not evaluated, and the functional significance of this variant is currently unknown. In summary, the available evidence is currently insufficient to determine the role of this variant in disease. Therefore, it has been classified as a Variant of Uncertain Significance.

Blueprint Genetics
Classification: Uncertain significance. Last evaluated: 2020-03-24. Review status: criteria provided, single submitter. Criteria: ACMG Guidelines, 2015. Collection method: clinical testing. Allele origin: germline.

NC_000009.12:g.35657810A>G

Gene: RMRP (RNA component of mitochondrial RNA processing endoribonuclease; minus strand). Cytogenetic location: 9p13.3.
Variant type: single nucleotide variant.
Genome position: GRCh38 VCF-style: chr9-35657810-A-G. GRCh37 (hg19) VCF-style: chr9-35657807-A-G.
Identifiers: ClinVar variation 933565 (VCV000933565.4), dbSNP rs1219992892, ClinGen allele CA464450546.
Genomic context (GRCh38, chr9:35,657,810, plus strand): 5'-AACAGCCGCGCTGAGAATGAGCCCCGTGTGGTTGGTGCGCGGACACGCACTGCCTGCGTA[A>G]CTAGAGGGAGCTGACGGATGACGCCCCCGCGCCACGCCGCTCAGCGGGATACGCTTCTTG-3'